The following is an entry in ClinVar:

NM_002641.4(PIGA):c.849-129_849-128dup

Gene: PIGA (phosphatidylinositol glycan anchor biosynthesis class A; minus strand). Cytogenetic location: Xp22.2.
Variant type: Duplication.
Coding change: c.849-129_849-128dup on transcript NM_002641.4 (MANE Select); 129 bases into the intron before coding-DNA position 849 through 128 bases into the intron before coding-DNA position 849, 2 bases duplicated (TT; older notation c.849-129_849-128dupTT).
Molecular consequence: intron variant.
Genome position (GRCh38, 1-based): chrX:15,325,280-15,325,281, AA duplicated on the plus strand (TT on the coding strand, the reverse complement: PIGA is on the minus strand). VCF-style (leftmost placement, unchanged base first): chrX-15325279-C-CAA. GRCh37 (hg19) VCF-style: chrX-15343401-C-CAA.
Other names: c.147-129_147-128dup (NM_020473.3); c.849-128_849-127insTT (NM_002641.3).
Identifiers: ClinVar variation 667857 (VCV000667857.1), dbSNP rs35222742, ClinGen allele CA326944475.

ClinVar aggregate classification (germline): Benign (1 of 4 stars; one submission).

Allele frequency attached by ClinVar (database versions not stated): gnomAD exomes 0.49767; TOPMed 0.54853; gnomAD 0.55475; 1000 Genomes Project 30x 0.59438; 1000 Genomes Project 0.59788.

Submission:

GeneDx
Classification: Benign. Last evaluated: 2018-06-14. Review status: criteria provided, single submitter. Criteria: GeneDx Variant Classification (06012015). Collection method: clinical testing. Allele origin: germline. Affected: yes.
Comment: This variant is considered likely benign or benign based on one or more of the following criteria: it is a conservative change, it occurs at a poorly conserved position in the protein, it is predicted to be benign by multiple in silico algorithms, and/or has population frequency not consistent with disease.